The following is an entry in ClinVar:

ClinVar aggregate classification (germline): Pathogenic/Likely pathogenic. Review status: criteria provided, multiple submitters, no conflicts (2 of 4 stars). 4 submissions from 4 submitters: Pathogenic (1); Likely pathogenic (1). 2 of the submissions do not count toward it. Last evaluated 2026-09-24.

Conditions:
Mitochondrial complex V (ATP synthase) deficiency, nuclear type 4A (MC5DN4A). Identifiers: MedGen C5830480, MONDO:0957254, OMIM 620358.
Lactic acidosis. Identifiers: MedGen C0001125, MONDO:0006040, HP:0003128.

gnomAD v4.1: 1 of 1,614,184 alleles (0.000062%); highest among the groups gnomAD compares: Non-Finnish European, 0.000085%; no homozygotes.

Submissions (4):

GeneDx
Classification: Pathogenic. Last evaluated: 2026-09-24. Review status: criteria provided, single submitter. Criteria: GeneDx Variant Classification Process June 2021. Collection method: clinical testing. Allele origin: germline.
Comment: Not observed at significant frequency in large population cohorts (gnomAD); In silico analysis supports that this missense variant has a deleterious effect on protein structure/function; This variant is associated with the following publications: (PMID: 33057194, 35982159, 34954817, 34483339, 42520343)

Care4Rare-SOLVE, CHEO
Classification: Likely pathogenic for Lactic acidosis. Last evaluated: 2021-01-06. Review status: criteria provided, single submitter. Criteria: ACMG Guidelines, 2015. Collection method: clinical testing. Allele origin: de novo. Inheritance: Sporadic. Affected: yes. Observed: 3 variant alleles, 3 heterozygotes. Clinical features observed: Hyperammonemia (HP:0001987), Failure to thrive (HP:0001508), Feeding difficulties (HP:0011968).

Undiagnosed Diseases Network, NIH
Classification: Pathogenic for Mitochondrial complex V (ATP synthase) deficiency, nuclear type 4A. Last evaluated: 2024-05-27. Review status: no assertion criteria provided. Collection method: clinical testing. Allele origin: maternal. Affected: yes. Observed: 5 variant alleles, 5 heterozygotes. Clinical features observed: Fetal growth restriction (HP:0001511), Neonatal hypoglycemia (HP:0001998), Failure to thrive in infancy (HP:0001531), Fine hair (HP:0002213), Recurrent infections (HP:0002719), Lactic acidosis (HP:0003128), Hypernatremia (HP:0003228), Hypopigmentation of hair (HP:0005599), Pure red-cell aplasia (HP:0012410), Abnormal morphology of myocardial trabeculae (HP:0030681), Cyclical neutropenia (HP:0040289). Study: Undiagnosed Diseases Network (NIH), UDN. Not counted in ClinVar's aggregate classification.

OMIM
Classification: Pathogenic for MITOCHONDRIAL COMPLEX V (ATP SYNTHASE) DEFICIENCY, NUCLEAR TYPE 4A. Last evaluated: 2023-05-04. Review status: no assertion criteria provided. Collection method: literature only. Allele origin: germline. Not counted in ClinVar's aggregate classification.

Literature cited by the submitters: PubMed 34483339 (cited by Undiagnosed Diseases Network, NIH and OMIM); PubMed 24954817 (cited by Undiagnosed Diseases Network, NIH); PubMed 34954817 (cited by OMIM).

NM_004046.6(ATP5F1A):c.620G>A (p.Arg207His)

Gene: ATP5F1A (ATP synthase F1 subunit alpha; minus strand). Cytogenetic location: 18q21.1.
Variant type: single nucleotide variant.
Coding change: c.620G>A on transcript NM_004046.6 (MANE Select); coding-DNA position 620, G replaced by A.
Protein change: p.Arg207His; replaces arginine 207 with histidine.
Molecular consequence: missense variant.
Genome position (GRCh38, 1-based): chr18:46,089,596, C>T on the plus strand (G>A on the coding strand, the complement: ATP5F1A is on the minus strand). VCF-style: chr18-46089596-C-T. GRCh37 (hg19) VCF-style: chr18-43669562-C-T.
Other names: p.R207H; c.470G>A, p.Arg157His (NM_001001935.3, NM_001257335.2); c.620G>A, p.Arg207His (NM_001001937.2); c.554G>A, p.Arg185His (NM_001257334.2); short protein forms R207H, R157H, R185H.
Identifiers: ClinVar variation 432972 (VCV000432972.9), dbSNP rs1555695342, ClinGen allele CA402357044.
Genomic context (GRCh38, chr18:46,089,596, plus strand): 5'-AGAACTTTTAATATGCTTTTGAGTCTTTACCCAGTCTGTCGGTCACCAATAATCAGTTCA[C>T]GCTGACCACGACCAATTGGCACCAAGCTATCCACAGCCTTAATGCCAGTCTGCATTGGTT-3'
Protein context (NP_004037.1, residues 197-217): DSLVPIGRGQ[Arg207His]ELIIGDRQTG